The following is an entry in ClinVar:

ClinVar aggregate classification (germline): Likely benign (1 of 4 stars; one submission).

gnomAD v4.1: 13 of 1,204,078 alleles (0.0011%); highest among the groups gnomAD compares: Middle Eastern, 0.023%; no homozygotes.

Submission:

CeGaT Center for Human Genetics Tuebingen
Classification: Likely benign. Last evaluated: 2026-01-01. Review status: criteria provided, single submitter. Criteria: CeGaT Center For Human Genetics Tuebingen Variant Classification Criteria Version 2. Collection method: clinical testing. Allele origin: germline. Affected: yes. Observed: 1 variant allele.
Comment: USP26: BP4, BP7, BS2

NM_031907.3(USP26):c.1923A>G (p.Val641=)

Gene: USP26 (ubiquitin specific peptidase 26; minus strand). Cytogenetic location: Xq26.2.
Variant type: single nucleotide variant.
Coding change: c.1923A>G on transcript NM_031907.3 (MANE Select); coding-DNA position 1923, A replaced by G.
Protein change: p.Val641=; no amino-acid change (valine 641 retained).
Molecular consequence: synonymous variant.
Genome position (GRCh38, 1-based): chrX:133,026,298, T>C on the plus strand (A>G on the coding strand, the complement: USP26 is on the minus strand). VCF-style: chrX-133026298-T-C. GRCh37 (hg19) VCF-style: chrX-132160326-T-C.
Identifiers: ClinVar variation 4821233 (VCV004821233.4).